The following is an entry in ClinVar:

NM_203446.3(SYNJ1):c.3587C>A (p.Pro1196Gln)

Gene: SYNJ1 (synaptojanin 1; minus strand). Cytogenetic location: 21q22.11.
Variant type: single nucleotide variant.
Coding change: c.3587C>A on transcript NM_203446.3 (MANE Select); coding-DNA position 3587, C replaced by A.
Protein change: p.Pro1196Gln; replaces proline 1196 with glutamine.
Molecular consequence: missense variant.
Genome position (GRCh38, 1-based): chr21:32,641,897, G>T on the plus strand (C>A on the coding strand, the complement: SYNJ1 is on the minus strand). VCF-style: chr21-32641897-G-T. GRCh37 (hg19) VCF-style: chr21-34014207-G-T.
Other names: c.3539C>A, p.Pro1180Gln (NM_001160302.2); c.3446C>A, p.Pro1149Gln (NM_001160306.2); c.3704C>A, p.Pro1235Gln (NM_003895.4); short protein forms P1235Q, P1180Q, P1149Q, P1196Q.
Identifiers: ClinVar variation 576177 (VCV000576177.2), dbSNP rs61752550, ClinGen allele CA410065245.
Genomic context (GRCh38, chr21:32,641,897, plus strand): 5'-CTAGTAGTAAACAGGACTTAGAACCGAGACCCCTTGGCCCCAGGCGAGGTTTTACCTACC[G>T]GTCTGGCTGTACTGTATCCAGCAGGTCCTGGGCCTGCAAGTCCTGCTTGAGGTGAAGGCT-3'
Protein context (NP_982271.3, residues 1186-1206): PGPAGYSTAR[Pro1196Gln]TIPPRAGVIS

ClinVar aggregate classification (germline): Uncertain significance (1 of 4 stars; one submission).

Conditions:
Developmental and epileptic encephalopathy, 53. Also called: Epileptic encephalopathy, early infantile, 53. Identifiers: MedGen C4479313, MONDO:0033362, OMIM 617389.
Early-onset Parkinson disease 20. Also called: PARKINSON DISEASE 20, AUTOSOMAL RECESSIVE EARLY-ONSET. Identifiers: Orphanet 391411, MedGen C3809824, MONDO:0014233, OMIM 615530.

Submission:

Labcorp Genetics (formerly Invitae), Labcorp
Classification: Uncertain significance for Developmental and epileptic encephalopathy, 53; Parkinson disease 20, early-onset. Last evaluated: 2019-05-28. Review status: criteria provided, single submitter. Criteria: Invitae Variant Classification Sherloc (09022015). Collection method: clinical testing. Allele origin: germline.
Comment: This sequence change replaces proline with glutamine at codon 1235 of the SYNJ1 protein (p.Pro1235Gln). The proline residue is moderately conserved and there is a moderate physicochemical difference between proline and glutamine. This variant is not present in population databases (ExAC no frequency). This variant has not been reported in the literature in individuals with SYNJ1-related disease. Algorithms developed to predict the effect of missense changes on protein structure and function do not agree on the potential impact of this missense change (SIFT: "Deleterious"; PolyPhen-2: "Possibly Damaging"; Align-GVGD: "Class C0"). In summary, the available evidence is currently insufficient to determine the role of this variant in disease. Therefore, it has been classified as a Variant of Uncertain Significance.